The following is an entry in ClinVar:

ClinVar aggregate classification (germline): Pathogenic (1 of 4 stars; one submission).

Conditions:
X-linked agammaglobulinemia with growth hormone deficiency (IGHD3). Also called: AGAMMAGLOBULINEMIA AND ISOLATED GROWTH HORMONE DEFICIENCY, X-LINKED; FLEISHER SYNDROME; Isolated growth hormone deficiency type 3; Growth hormone deficiency with hypogammaglobulinemia; HYPOGAMMAGLOBULINEMIA AND ISOLATED GROWTH HORMONE DEFICIENCY, X-LINKED; IGHD III. Identifiers: Orphanet 231692, Orphanet 631, MedGen C0472813, MONDO:0010615, OMIM 307200.

Submission:

Labcorp Genetics (formerly Invitae), Labcorp
Classification: Pathogenic for X-linked agammaglobulinemia with growth hormone deficiency. Last evaluated: 2023-11-06. Review status: criteria provided, single submitter. Criteria: Invitae Variant Classification Sherloc (09022015). Collection method: clinical testing. Allele origin: germline.
Comment: This sequence change affects a donor splice site in intron 7 of the BTK gene. It is expected to disrupt RNA splicing. Variants that disrupt the donor or acceptor splice site typically lead to a loss of protein function (PMID: 16199547), and loss-of-function variants in BTK are known to be pathogenic (PMID: 15661032, 16862044, 19419768). This variant is not present in population databases (gnomAD no frequency). Disruption of this splice site has been observed in individuals with agammaglobulinemia (PMID: 9445504, 19419768). Algorithms developed to predict the effect of sequence changes on RNA splicing suggest that this variant may disrupt the consensus splice site. For these reasons, this variant has been classified as Pathogenic.

Literature cited by the submitters: PubMed 16199547; PubMed 15661032; PubMed 16862044; PubMed 19419768; PubMed 9445504.

NM_000061.3(BTK):c.588+1G>A

Gene: BTK (Bruton tyrosine kinase; minus strand). Cytogenetic location: Xq22.1.
Variant type: single nucleotide variant.
Coding change: c.588+1G>A on transcript NM_000061.3 (MANE Select); the canonical splice donor site of the intron after coding-DNA position 588, G replaced by A.
Molecular consequence: splice donor variant.
Genome position (GRCh38, 1-based): chrX:101,362,172, C>T on the plus strand (G>A on the coding strand, the complement: BTK is on the minus strand). VCF-style: chrX-101362172-C-T. GRCh37 (hg19) VCF-style: chrX-100617160-C-T.
Other names: c.690+1G>A (NM_001287344.2); c.588+1G>A (NM_001287345.2).
Identifiers: ClinVar variation 2737301 (VCV002737301.3), dbSNP rs1569293252, ClinGen allele CA413933907.